The following is an entry in ClinVar:

NM_007294.4(BRCA1):c.5250G>C (p.Lys1750Asn)

Gene: BRCA1 (BRCA1 DNA repair associated; minus strand). Cytogenetic location: 17q21.31.
Variant type: single nucleotide variant.
Coding change: c.5250G>C on transcript NM_007294.4 (MANE Select); coding-DNA position 5250, G replaced by C.
Protein change: p.Lys1750Asn; replaces lysine 1750 with asparagine.
Molecular consequence: missense variant. On other transcripts: non-coding transcript variant (1).
Genome position (GRCh38, 1-based): chr17:43,057,079, C>G on the plus strand (G>C on the coding strand, the complement: BRCA1 is on the minus strand). VCF-style: chr17-43057079-C-G. GRCh37 (hg19) VCF-style: chr17-41209096-C-G.
Other names: c.1797G>C, p.Lys599Asn (NM_001408467.1, NM_001408458.1, NM_001408459.1 and 7 more transcripts); c.1794G>C, p.Lys598Asn (NM_001408468.1, NM_001408469.1, NM_001408470.1); c.1938G>C, p.Lys646Asn (NM_001408472.1, NM_007298.4, NM_007299.4 and 13 more transcripts); c.1935G>C, p.Lys645Asn (NM_001408473.1, NM_001408392.1, NM_001408396.1 and 8 more transcripts); c.1740G>C, p.Lys580Asn (NM_001408474.1); c.1737G>C, p.Lys579Asn (NM_001408475.1, NM_001408476.1); c.1728G>C, p.Lys576Asn (NM_001408491.1, NM_001408481.1, NM_001408482.1 and 5 more transcripts); c.1725G>C, p.Lys575Asn (NM_001408492.1, NM_001408493.1); and 72 more; short protein forms K646N, K1771N, K1703N, K1750N, K1454N, K1581N, K1596N, K1622N.
Identifiers: ClinVar variation 867279 (VCV000867279.3), dbSNP rs1597810591, ClinGen allele CA10591047.
Genomic context (GRCh38, chr17:43,057,079, plus strand): 5'-AGATTTTTGTCAACTTGAGGGAGGGAGCTTTACCTTTCTGTCCTGGGATTCTCTTGCTCG[C>G]TTTGGACCTTGGTGGTTTCTTCCATTGACCACATCTCCTCTGACTTCAAAATCATGCTGA-3'
Protein context (NP_009225.1, residues 1740-1760): VVNGRNHQGP[Lys1750Asn]RARESQDRKI

Conditions:
Breast-ovarian cancer, familial, susceptibility to, 1 (BROVCA1). Also called: BRCA1 Hereditary Breast and Ovarian Cancer; OVARIAN CANCER, SUSCEPTIBILITY TO. Identifiers: Orphanet 145, MedGen C2676676, MONDO:0011450, OMIM 604370. Disease mechanism: loss of function.

Submission:

Brotman Baty Institute, University of Washington
No classification provided (evidence only). Condition: Breast-ovarian cancer, familial 1. Review status: no classification provided. Collection method: in vitro. Allele origin: not applicable. Functional consequence: function_uncertain_variant.
ClinVar note: "not provided" was previously submitted as the classification for the variant. However, the classification appeared to be based only on an observation of functional data so it was converted to no classification on 2025-07-30.